The following is an entry in ClinVar:

ClinVar aggregate classification (germline): Uncertain significance (1 of 4 stars; one submission).

Conditions:
CHARGE syndrome (CHARGE). Also called: Coloboma, heart anomaly, choanal atresia, retardation, genital and ear anomalies; CHARGE association; Hall-Hittner syndrome; Hittner Hirsch Kreh syndrome; CHARGE ASSOCIATION--COLOBOMA, HEART ANOMALY, CHOANAL ATRESIA, RETARDATION, GENITAL AND EAR ANOMALIES. Identifiers: Orphanet 138, MedGen C0265354, MONDO:0008965.

Submission:

MGZ Medical Genetics Center
Classification: Uncertain significance for CHD7-related CHARGE syndrome. Last evaluated: 2021-10-07. Review status: criteria provided, single submitter. Criteria: ACMG Guidelines, 2015. Collection method: clinical testing. Allele origin: germline. Affected: yes. Observed: 1 variant allele.
Comment: ACMG criteria applied: PM2_SUP, PP2, PP3

NM_017780.4(CHD7):c.4409G>A (p.Gly1470Asp)

Gene: CHD7 (chromodomain helicase DNA binding protein 7; plus strand). Cytogenetic location: 8q12.2.
Variant type: single nucleotide variant.
Coding change: c.4409G>A on transcript NM_017780.4 (MANE Select); coding-DNA position 4409, G replaced by A.
Protein change: p.Gly1470Asp; replaces glycine 1470 with aspartic acid.
Molecular consequence: missense variant. On other transcripts: intron variant (1).
Genome position (GRCh38, 1-based): chr8:60,838,131, G>A. VCF-style: chr8-60838131-G-A. GRCh37 (hg19) VCF-style: chr8-61750690-G-A.
Other names: c.1717-24098G>A (NM_001316690.1); short protein forms G1470D.
Identifiers: ClinVar variation 1710005 (VCV001710005.2), dbSNP rs2487914870, ClinGen allele CA371318160.